The following is an entry in ClinVar:

ClinVar aggregate classification (germline): Benign. Review status: criteria provided, multiple submitters, no conflicts (2 of 4 stars). 8 submissions from 8 submitters: Benign (6). 2 of the submissions do not count toward it. Last evaluated 2026-02-04.

Conditions:
Fraser syndrome 1 (FRASRS1). Also called: CRYPTOPHTHALMOS WITH OTHER MALFORMATIONS. Identifiers: Orphanet 2052, MedGen C4551480, MONDO:0054737, OMIM 219000.

Allele frequency attached by ClinVar (database versions not stated): 1000 Genomes Project 0.02556; 1000 Genomes Project 30x 0.02717; TOPMed 0.06105; gnomAD 0.06112 and 0.06352; gnomAD exomes 0.06352 and 0.08481; ExAC 0.06378; ESP Exome Variant Server 0.07603.
gnomAD v4.1: 132,579 of 1,613,114 alleles (8.2%); highest among the groups gnomAD compares: Non-Finnish European, 9.8%; 6,442 homozygotes.

Submissions (8):

Labcorp Genetics (formerly Invitae), Labcorp
Classification: Benign. Last evaluated: 2026-02-04. Review status: criteria provided, single submitter. Criteria: Invitae Variant Classification Sherloc (09022015). Collection method: clinical testing. Allele origin: germline.

Blueprint Genetics
Classification: Benign. Last evaluated: 2024-11-26. Review status: criteria provided, single submitter. Criteria: ACMG Guidelines, 2015. Collection method: clinical testing. Allele origin: germline.

Mayo Clinic Laboratories, Mayo Clinic
Classification: Benign. Last evaluated: 2022-03-09. Review status: criteria provided, single submitter. Criteria: ACMG Guidelines, 2015. Collection method: clinical testing. Allele origin: germline. Observed: 9 variant alleles.

Illumina Laboratory Services, Illumina
Classification: Benign for Fraser syndrome 1. Last evaluated: 2018-01-13. Review status: criteria provided, single submitter. Criteria: ICSL Variant Classification Criteria 13 December 2019. Collection method: clinical testing. Allele origin: germline.
Comment: This variant was observed in the ICSL laboratory as part of a predisposition screen in an ostensibly healthy population. It had not been previously curated by ICSL or reported in the Human Gene Mutation Database (HGMD: prior to June 1st, 2018), and was therefore a candidate for classification through an automated scoring system. Utilizing variant allele frequency, disease prevalence and penetrance estimates, and inheritance mode, an automated score was calculated to assess if this variant is too frequent to cause the disease. Based on the score and internal cut-off values, a variant classified as benign is not then subjected to further curation. The score for this variant resulted in a classification of benign for this disease.

Eurofins Ntd Llc (ga)
Classification: Benign. Last evaluated: 2014-11-18. Review status: criteria provided, single submitter. Criteria: EGL Classification Definitions 2015. Collection method: clinical testing. Allele origin: germline. Observed: 1 variant allele, 1 heterozygote.

Breakthrough Genomics
Classification: Benign. Review status: criteria provided, single submitter. Criteria: ACMG Guidelines, 2015. Collection method: not provided. Allele origin: germline. Inheritance: Autosomal recessive inheritance. Affected: yes.

Diagnostic Laboratory, Department of Genetics, University Medical Center Groningen
Classification: Benign for Fraser syndrome 1. Review status: no assertion criteria provided. Collection method: clinical testing. Allele origin: germline. Affected: yes. Study: VKGL Data-share Consensus. Not counted in ClinVar's aggregate classification.

Genome Diagnostics Laboratory, University Medical Center Utrecht
Classification: Benign. Review status: no assertion criteria provided. Collection method: clinical testing. Allele origin: germline. Affected: yes. Study: VKGL Data-share Consensus. Not counted in ClinVar's aggregate classification.

NM_025074.7(FRAS1):c.3312T>C (p.Ser1104=)

Gene: FRAS1 (Fraser extracellular matrix complex subunit 1; plus strand). Cytogenetic location: 4q21.21.
Variant type: single nucleotide variant.
Coding change: c.3312T>C on transcript NM_025074.7 (MANE Select); coding-DNA position 3312, T replaced by C.
Protein change: p.Ser1104=; no amino-acid change (serine 1104 retained).
Molecular consequence: synonymous variant.
Genome position (GRCh38, 1-based): chr4:78,379,745, T>C. VCF-style: chr4-78379745-T-C. GRCh37 (hg19) VCF-style: chr4-79300899-T-C.
Other names: p.Ser1104=; c.3312T>C, p.Ser1104= (NM_001166133.2).
Identifiers: ClinVar variation 196041 (VCV000196041.20), dbSNP rs35774552, ClinGen allele CA202103.
Genomic context (GRCh38, chr4:78,379,745, plus strand): 5'-AGGTACCATAAGCTTGACCTTTGGATTCATATGTTTTTCAGGCAAAATACACACCCCTAG[T>C]CTTCATGTGAATGGTTCCCTGATCCTCCCAATTGGTTCAATAAAGCCACTGGATTTTTCC-3'
Protein context (NP_079350.5, residues 1094-1114): ETCSGKIHTP[Ser1104=]LHVNGSLILP